The following is an entry in ClinVar:

ClinVar aggregate classification (germline): Uncertain significance. Review status: criteria provided, multiple submitters, no conflicts (2 of 4 stars). 2 submissions from 2 submitters: Uncertain significance (2). Last evaluated 2022-09-22.

Conditions:
Insulin-dependent diabetes mellitus secretory diarrhea syndrome (IPEX). Also called: DIABETES MELLITUS, CONGENITAL INSULIN-DEPENDENT, WITH FATAL SECRETORY DIARRHEA; DIARRHEA, POLYENDOCRINOPATHY, FATAL INFECTION SYNDROME, X-LINKED; ENTEROPATHY, AUTOIMMUNE, WITH HEMOLYTIC ANEMIA AND POLYENDOCRINOPATHY; Immunodysregulation, polyendocrinopathy, and enteropathy, X-linked; X-Linked Autoimmunity-Allergic Dysregulation Syndrome; IMMUNODEFICIENCY, POLYENDOCRINOPATHY, AND ENTEROPATHY, X-LINKED. Identifiers: Orphanet 37042, MedGen C0342288, MONDO:0010580, OMIM 304790. Disease mechanism: loss of function.

Allele frequency attached by ClinVar (database versions not stated): TOPMed below 0.00001; gnomAD 0.00001.

Submissions (2):

Labcorp Genetics (formerly Invitae), Labcorp
Classification: Uncertain significance for Insulin-dependent diabetes mellitus secretory diarrhea syndrome. Last evaluated: 2022-09-22. Review status: criteria provided, single submitter. Criteria: Invitae Variant Classification Sherloc (09022015). Collection method: clinical testing. Allele origin: germline.
Comment: In summary, the available evidence is currently insufficient to determine the role of this variant in disease. Therefore, it has been classified as a Variant of Uncertain Significance. Algorithms developed to predict the effect of sequence changes on RNA splicing suggest that this variant may create or strengthen a splice site. Advanced modeling of protein sequence and biophysical properties (such as structural, functional, and spatial information, amino acid conservation, physicochemical variation, residue mobility, and thermodynamic stability) performed at Invitae indicates that this missense variant is not expected to disrupt FOXP3 protein function. ClinVar contains an entry for this variant (Variation ID: 1375113). This variant has not been reported in the literature in individuals affected with FOXP3-related conditions. This variant is not present in population databases (gnomAD no frequency). This sequence change replaces glycine, which is neutral and non-polar, with arginine, which is basic and polar, at codon 83 of the FOXP3 protein (p.Gly83Arg).

Fulgent Genetics
Classification: Uncertain significance for Insulin-dependent diabetes mellitus secretory diarrhea syndrome. Last evaluated: 2021-09-07. Review status: criteria provided, single submitter. Criteria: ACMG Guidelines, 2015. Collection method: clinical testing. Allele origin: unknown.

NM_014009.4(FOXP3):c.247G>A (p.Gly83Arg)

Gene: FOXP3 (forkhead box P3; minus strand). Cytogenetic location: Xp11.23.
Variant type: single nucleotide variant.
Coding change: c.247G>A on transcript NM_014009.4 (MANE Select); coding-DNA position 247, G replaced by A.
Protein change: p.Gly83Arg; replaces glycine 83 with arginine.
Molecular consequence: missense variant. On other transcripts: intron variant (1).
Genome position (GRCh38, 1-based): chrX:49,257,732, C>T on the plus strand (G>A on the coding strand, the complement: FOXP3 is on the minus strand). VCF-style: chrX-49257732-C-T. GRCh37 (hg19) VCF-style: chrX-49114189-C-T.
Other names: c.211-167G>A (NM_001114377.2); short protein forms G83R.
Identifiers: ClinVar variation 1375113 (VCV001375113.9), dbSNP rs868911396, ClinGen allele CA412953562.